The following is an entry in ClinVar:

ClinVar aggregate classification (germline): Benign/Likely benign. Review status: criteria provided, multiple submitters, no conflicts (2 of 4 stars). 3 submissions from 3 submitters: Benign (1); Likely benign (2). Last evaluated 2025-09-04.

Conditions:
Pheochromocytoma/paraganglioma syndrome 4. Also called: SDHB-Related Hereditary Paraganglioma-Pheochromocytoma Syndrome (Paragangliomas 4); CAROTID BODY TUMORS AND MULTIPLE EXTRAADRENAL PHEOCHROMOCYTOMAS; PARAGANGLIOMA, FAMILIAL MALIGNANT; PARAGANGLIOMAS, HEREDITARY EXTRAADRENAL; SDHB-Related Hereditary Paraganglioma-Pheochromocytoma Syndrome; PHEOCHROMOCYTOMA, FAMILIAL EXTRAADRENAL. Identifiers: Orphanet 29072, MedGen C1861848, MONDO:0007273, OMIM 115310.
Pheochromocytoma. Also called: MAX-Related Hereditary Paraganglioma-Pheochromocytoma Syndrome. Identifiers: Orphanet 29072, MedGen C0031511, MONDO:0008233, OMIM 171300, HP:0002666.
Gastrointestinal stromal tumor. Also called: Gastrointestinal stroma tumor; Gastrointestinal stromal tumor, somatic. Identifiers: Orphanet 44890, MedGen C0238198, MeSH D046152, MONDO:0011719, OMIM 606764, HP:0100723.
Hereditary cancer-predisposing syndrome. Also called: Tumor predisposition; Hereditary neoplastic syndrome; Neoplastic Syndromes, Hereditary; Hereditary Cancer Syndrome. Identifiers: Orphanet 140162, MedGen C0027672, MeSH D009386, MONDO:0015356.

Allele frequency attached by ClinVar (database versions not stated): TOPMed below 0.00001; ESP Exome Variant Server 0.00008.

Submissions (3):

Labcorp Genetics (formerly Invitae), Labcorp
Classification: Likely benign for Gastrointestinal stromal tumor; Pheochromocytoma/paraganglioma syndrome 4; Pheochromocytoma. Last evaluated: 2025-09-04. Review status: criteria provided, single submitter. Criteria: Invitae Variant Classification Sherloc (09022015). Collection method: clinical testing. Allele origin: germline.

Myriad Genetics, Inc.
Classification: Benign for Pheochromocytoma/paraganglioma syndrome 4. Last evaluated: 2025-03-13. Review status: criteria provided, single submitter. Criteria: Myriad Autosomal Dominant, Autosomal Recessive and X-Linked Classification Criteria (2023). Collection method: clinical testing. Allele origin: unknown.
Comment: This variant is considered benign. This variant is a silent/synonymous amino acid change and it is not expected to impact splicing.

Ambry Genetics
Classification: Likely benign for Hereditary cancer-predisposing syndrome. Last evaluated: 2021-08-16. Review status: criteria provided, single submitter. Criteria: Ambry Variant Classification Scheme 2023. Collection method: clinical testing. Allele origin: germline.

NM_003000.3(SDHB):c.516G>A (p.Gln172=)

Gene: SDHB (succinate dehydrogenase complex iron sulfur subunit B; minus strand). Cytogenetic location: 1p36.13.
Variant type: single nucleotide variant.
Coding change: c.516G>A on transcript NM_003000.3 (MANE Select); coding-DNA position 516, G replaced by A.
Protein change: p.Gln172=; no amino-acid change (glutamine 172 retained).
Molecular consequence: synonymous variant.
Genome position (GRCh38, 1-based): chr1:17,027,773, C>T on the plus strand (G>A on the coding strand, the complement: SDHB is on the minus strand). VCF-style: chr1-17027773-C-T. GRCh37 (hg19) VCF-style: chr1-17354268-C-T.
Identifiers: ClinVar variation 459152 (VCV000459152.10), dbSNP rs138937650, ClinGen allele CA18665926.